The following is an entry in ClinVar:

ClinVar aggregate classification (germline): Uncertain significance. Review status: criteria provided, multiple submitters, no conflicts (2 of 4 stars). 2 submissions from 2 submitters: Uncertain significance (2). Last evaluated 2025-08-11.

Conditions:
Hereditary cancer-predisposing syndrome. Also called: Tumor predisposition; Hereditary neoplastic syndrome; Neoplastic Syndromes, Hereditary; Hereditary Cancer Syndrome. Identifiers: Orphanet 140162, MedGen C0027672, MeSH D009386, MONDO:0015356.

Allele frequency attached by ClinVar (database versions not stated): gnomAD 0.00001; TOPMed 0.00001.
gnomAD v4.1: 1 of 1,607,928 alleles (0.000062%); highest among the groups gnomAD compares: African/African-American, 0.0013%; no homozygotes.

Submissions (2):

Labcorp Genetics (formerly Invitae), Labcorp
Classification: Uncertain significance. Last evaluated: 2025-08-11. Review status: criteria provided, single submitter. Criteria: Invitae Variant Classification Sherloc (09022015). Collection method: clinical testing. Allele origin: germline.
Comment: This sequence change replaces isoleucine, which is neutral and non-polar, with valine, which is neutral and non-polar, at codon 537 of the MSH3 protein (p.Ile537Val). This variant is present in population databases (no rsID available, gnomAD 0.01%). This variant has not been reported in the literature in individuals affected with MSH3-related conditions. ClinVar contains an entry for this variant (Variation ID: 858187). An algorithm developed to predict the effect of missense changes on protein structure and function outputs the following: PolyPhen-2: "Benign". The valine amino acid residue is found in multiple mammalian species, which suggests that this missense change does not adversely affect protein function. In summary, the available evidence is currently insufficient to determine the role of this variant in disease. Therefore, it has been classified as a Variant of Uncertain Significance.

Ambry Genetics
Classification: Uncertain significance for Hereditary cancer-predisposing syndrome. Last evaluated: 2023-10-06. Review status: criteria provided, single submitter. Criteria: Ambry Variant Classification Scheme 2023. Collection method: clinical testing. Allele origin: germline.
Comment: The p.I537V variant (also known as c.1609A>G), located in coding exon 11 of the MSH3 gene, results from an A to G substitution at nucleotide position 1609. The isoleucine at codon 537 is replaced by valine, an amino acid with highly similar properties. This amino acid position is conserved. In addition, this alteration is predicted to be tolerated by in silico analysis. Since supporting evidence is limited at this time, the clinical significance of this alteration remains unclear.

NM_002439.5(MSH3):c.1609A>G (p.Ile537Val)

Gene: MSH3 (mutS homolog 3; plus strand). Cytogenetic location: 5q14.1.
Variant type: single nucleotide variant.
Coding change: c.1609A>G on transcript NM_002439.5 (MANE Select); coding-DNA position 1609, A replaced by G.
Protein change: p.Ile537Val; replaces isoleucine 537 with valine.
Molecular consequence: missense variant.
Genome position (GRCh38, 1-based): chr5:80,741,504, A>G. VCF-style: chr5-80741504-A-G. GRCh37 (hg19) VCF-style: chr5-80037323-A-G.
Other names: c.1609A>G (NM_002439.3); short protein forms I537V.
Identifiers: ClinVar variation 858187 (VCV000858187.10), dbSNP rs1333806808, ClinGen allele CA360274505.